The following is an entry in ClinVar:

NM_000092.5(COL4A4):c.1045C>T (p.Arg349Ter)

Gene: COL4A4 (collagen type IV alpha 4 chain; minus strand). Cytogenetic location: 2q36.3.
Variant type: single nucleotide variant.
Coding change: c.1045C>T on transcript NM_000092.5 (MANE Select); coding-DNA position 1045, C replaced by T.
Protein change: p.Arg349Ter; replaces arginine 349 with a stop codon.
Molecular consequence: nonsense.
Genome position (GRCh38, 1-based): chr2:227,099,674, G>A on the plus strand (C>T on the coding strand, the complement: COL4A4 is on the minus strand). VCF-style: chr2-227099674-G-A. GRCh37 (hg19) VCF-style: chr2-227964390-G-A.
Other names: p.(Arg349*); short protein forms R349*.
Identifiers: ClinVar variation 447178 (VCV000447178.19), dbSNP rs534522842, ClinGen allele CA2145303.

ClinVar aggregate classification (germline): Pathogenic/Likely pathogenic. Review status: criteria provided, multiple submitters, no conflicts (2 of 4 stars). 10 submissions from 10 submitters: Pathogenic (8); Likely pathogenic (1). 1 of the submissions does not count toward it. Last evaluated 2026-04-17.

Conditions:
Hematuria, benign familial, 1 (BFH1). Also called: THIN MEMBRANE NEPHROPATHY. Identifiers: MedGen CN376803, MONDO:0007709, OMIM 141200.
Autosomal dominant Alport syndrome (ATS3A). Also called: Alport syndrome dominant type; Renal failure and sensorineural hearing loss; ALPORT SYNDROME 3A, AUTOSOMAL DOMINANT. Identifiers: Orphanet 63, Orphanet 88918, MedGen C5882663, MONDO:0007086, OMIM 104200.
Inborn genetic diseases. Identifiers: MedGen C0950123, MeSH D030342.
Nephrotic syndrome. Identifiers: MedGen C0027726, MONDO:0005377, HP:0000100.
Autosomal recessive Alport syndrome (ATS2). Also called: ALPORT SYNDROME 2, AUTOSOMAL RECESSIVE; COL4A3-Related Nephropathy; COL4A4 Alport Syndrome and Thin Basement Membrane Nephropathy; Alport syndrome type 2. Identifiers: Orphanet 63, Orphanet 88919, MedGen C4746745, MONDO:0008762, OMIM 203780.

Allele frequency attached by ClinVar (database versions not stated): gnomAD exomes below 0.00001; ExAC 0.00001; gnomAD 0.00001; 1000 Genomes Project 0.00020; 1000 Genomes Project 30x 0.00031.

Submissions (10):

Centre de Génétique Humaine, Institut de Pathologie Et de Génétique
Classification: Pathogenic for Autosomal dominant Alport syndrome; Hematuria, benign familial, 1. Last evaluated: 2026-04-17. Review status: criteria provided, single submitter. Criteria: ACMG Guidelines, 2015. Collection method: clinical testing. Allele origin: paternal, germline. Inheritance: Autosomal dominant inheritance. Affected: yes. Observed: 4 variant alleles, 4 heterozygotes. Clinical features observed: Microscopic hematuria (HP:0002907), Proteinuria (HP:0000093), Stage 3 chronic kidney disease (HP:0012625), Focal segmental glomerulosclerosis (HP:0000097). Segregation with disease observed.
Comment: Nonsense variant predicted to result in protein truncation or nonsense mediated decay in a gene for which loss-of-function is a known mechanism of disease (PVS1). This variant is rare: allelic frequency of 0.00012% in gnomAD v4.1.0 database (PM2). In trans with pathogenic variant in patients with AR Alport Syndrome described in scientific litterature. (PM3; PP5).

Ambry Genetics
Classification: Pathogenic for Inborn genetic diseases. Last evaluated: 2024-10-18. Review status: criteria provided, single submitter. Criteria: Ambry Variant Classification Scheme 2023. Collection method: clinical testing. Allele origin: germline.
Comment: The c.1045C>T (p.R349*) alteration, located in exon 18 (coding exon 17) of the COL4A4 gene, consists of a C to T substitution at nucleotide position 1045. This changes the amino acid from a arginine (R) to a stop codon at amino acid position 349. Premature stop codons are typically deleterious in nature (Richards, 2015). Based on data from gnomAD, the T allele has an overall frequency of <0.001% (1/249414) total alleles studied. The highest observed frequency was 0.003% (1/34518) of Latino alleles. This variant has been identified in the homozygous state and in conjunction with other COL4A4 variants in individuals with features consistent with Alport syndrome; in at least one instance, the variants were identified in trans (Chen, 2021; Domingo-Gallego, 2022; Sinha, 2022). Based on the available evidence, this alteration is classified as pathogenic.

Revvity Omics, Revvity
Classification: Pathogenic. Last evaluated: 2024-09-12. Review status: criteria provided, single submitter. Criteria: ACMG Guidelines, 2015. Collection method: clinical testing. Allele origin: germline.

MVZ Medizinische Genetik Mainz
Classification: Pathogenic for Autosomal recessive Alport syndrome. Last evaluated: 2024-08-30. Review status: criteria provided, single submitter. Criteria: UK Practice Guidelines For Variant Classification V4 01 2020. Collection method: clinical testing. Allele origin: germline. Inheritance: Autosomal dominant inheritance. Affected: yes. Observed: 1 variant allele.
Comment: ACMG Criteria: PVS1,PS4_MOD,PM2_SUP,PP4

Labcorp Genetics (formerly Invitae), Labcorp
Classification: Pathogenic. Last evaluated: 2024-06-03. Review status: criteria provided, single submitter. Criteria: Invitae Variant Classification Sherloc (09022015). Collection method: clinical testing. Allele origin: germline.
Comment: This sequence change creates a premature translational stop signal (p.Arg349*) in the COL4A4 gene. It is expected to result in an absent or disrupted protein product. Loss-of-function variants in COL4A4 are known to be pathogenic (PMID: 21196518, 24854265, 25307543). This variant is present in population databases (rs534522842, gnomAD 0.003%). This premature translational stop signal has been observed in individual(s) with Alport syndrome (PMID: 33532864). ClinVar contains an entry for this variant (Variation ID: 447178). Algorithms developed to predict the effect of sequence changes on RNA splicing suggest that this variant may disrupt the consensus splice site. For these reasons, this variant has been classified as Pathogenic.

Fulgent Genetics
Classification: Pathogenic for Hematuria, benign familial, 1; Autosomal recessive Alport syndrome. Last evaluated: 2024-03-29. Review status: criteria provided, single submitter. Criteria: ACMG Guidelines, 2015. Collection method: clinical testing. Allele origin: germline.

Molecular Biology Laboratory, Fundació Puigvert
Classification: Pathogenic for Autosomal recessive Alport syndrome. Last evaluated: 2020-02-01. Review status: criteria provided, single submitter. Criteria: ACMG Guidelines, 2015. Collection method: research. Allele origin: germline. Affected: yes. Study: KidneyPanel_2020.

Athena Diagnostics
Classification: Likely pathogenic. Last evaluated: 2016-12-28. Review status: criteria provided, single submitter. Criteria: Athena Diagnostics Criteria. Collection method: clinical testing. Allele origin: germline.

Clinical Genetics Service, Universitary Hospital 12 de Octubre
Classification: Pathogenic for Hematuria, benign familial, 1. Review status: criteria provided, single submitter. Criteria: ACMG Guidelines, 2015. Collection method: clinical testing. Allele origin: germline. Affected: yes.

Sydney Genome Diagnostics, Children's Hospital Westmead
Classification: Likely pathogenic for Nephrotic syndrome. Last evaluated: 2018-01-09. Review status: no assertion criteria provided. Collection method: clinical testing. Allele origin: unknown. Affected: yes. Observed: 1 variant allele, 1 compound heterozygote. Not counted in ClinVar's aggregate classification.
Comment: This variant creates a premature stop codon p.(Arg349*) and may result in a null allele due to nonsense-mediated mRNA decay. This variant has been reported in the gnomAD browser with a low allele frequency of 0.0004% (1 out of 246, 064 alleles). To our knowledge, this variant has not been previously reported in the literature or any disease specific databases. However, other truncating variants downstream of this amino acid have been described in ClinVar. This variant is considered to be a likely pathogenic according to the ACMG guidelines.

Literature cited by the submitters: PubMed 33532864 (cited by 4 submitters); PubMed 34964757 (cited by Centre de Génétique Humaine, Institut de Pathologie Et de Génétique and Ambry Genetics); PubMed 35497790 (cited by Centre de Génétique Humaine, Institut de Pathologie Et de Génétique and Ambry Genetics); PubMed 40855356 (cited by Centre de Génétique Humaine, Institut de Pathologie Et de Génétique); PubMed 21196518 (cited by Labcorp Genetics (formerly Invitae), Labcorp); PubMed 24854265 (cited by Labcorp Genetics (formerly Invitae), Labcorp); PubMed 25307543 (cited by Labcorp Genetics (formerly Invitae), Labcorp).